The following is an entry in ClinVar:

ClinVar aggregate classification (germline): Pathogenic (1 of 4 stars; one submission).

Conditions:
Fabry disease. Also called: ALPHA-GALACTOSIDASE A DEFICIENCY; ANDERSON-FABRY DISEASE; CERAMIDE TRIHEXOSIDASE DEFICIENCY; GLA DEFICIENCY; HEREDITARY DYSTOPIC LIPIDOSIS; Angiokeratoma corporis diffusum. Identifiers: Orphanet 324, MedGen C0002986, MONDO:0010526, OMIM 301500, HP:0001071. Disease mechanism: Fabry disease is due to inactivating mutations in the X-linked GLA gene resulting in deficiency of the enzyme Alpha Galactosidase-A., loss of function.

Submission:

Genomenon, Inc
Classification: Pathogenic for Fabry disease. Last evaluated: 2026-09-08. Review status: criteria provided, single submitter. Criteria: Genomenon Sequence Variant Interpretation Standards - Updated. Collection method: curation. Allele origin: germline. Affected: yes.
Comment: GLA p.Ile253LeufsTer16 (c.757del) is a frameshift variant that is predicted to introduce a premature termination codon and result in a truncated or absent protein product. This variant has been observed in at least one proband with clinical features consistent with Fabry disease (PMID:22176145;35971858;30594474). Functional or patient cell studies have been reported (PMID:22176145;30594474). It is absent or not present at a significant frequency in gnomAD. In conclusion, we classify GLA p.Ile253LeufsTer16 (c.757del) as a pathogenic variant.

Literature cited by the submitters: PubMed 22176145; PubMed 35971858; PubMed 30594474.

NM_000169.3(GLA):c.757del (p.Ile253fs)

Genes: GLA (galactosidase alpha; minus strand), RPL36A-HNRNPH2 (RPL36A-HNRNPH2 readthrough; plus strand). Cytogenetic location: Xq22.1.
Variant type: Deletion.
Coding change: c.757del on transcript NM_000169.3 (MANE Select); coding-DNA position 757, one base deleted (A; older notation c.757delA).
Protein change: p.Ile253fs; shifts the reading frame from isoleucine 253.
Molecular consequence: frameshift variant. On other transcripts: non-coding transcript variant (3), intron variant (2).
Genome position (GRCh38, 1-based): chrX:101,398,829, T deleted on the plus strand (A on the coding strand, the reverse complement: GLA is on the minus strand); the first of 2 consecutive T bases (chrX:101,398,829-101,398,830); deleting either gives the same sequence. VCF-style (leftmost placement, unchanged base first): chrX-101398828-AT-A. GRCh37 (hg19) VCF-style: chrX-100653816-AT-A.
Other names: c.880del, p.Ile294fs (NM_001406747.1); c.757del, p.Ile253fs (NM_001406748.1); c.300+3373del (NM_001199973.2); c.177+7008del (NM_001199974.2); short protein forms I253fs, I294fs.
Identifiers: ClinVar variation 4087001 (VCV004087001.2).
Genomic context (GRCh38, chrX:101,398,828, plus strand): 5'-AGGGCTCAAGTTTTTACCATATCTGGGTCATTCCAACCCCCTGGTCCAGCAACATCAACA[AT>A]TCTCTCCTGGTTAAAAGATGTCCAGTCCAAGATACTCTTTATACTTTTCCAGGAATCATC-3'